The following is an entry in ClinVar:

ClinVar aggregate classification (germline): Conflicting classifications of pathogenicity. Review status: criteria provided, conflicting classifications (1 of 4 stars). 11 submissions from 11 submitters: Pathogenic (2); Likely pathogenic (8); Uncertain significance (1). Last evaluated 2026-09-26.

Conditions:
Usher syndrome. Also called: Usher Syndromes; Usher's syndrome. Identifiers: Orphanet 886, MedGen CN469326, MeSH D052245, MONDO:0019501. Disease mechanism: loss of function.
Pituitary adenoma 5, multiple types. Identifiers: MedGen C4539685, MONDO:0054601, OMIM 617540.
Rare genetic deafness. Identifiers: Orphanet 96210, MedGen C5680250.
CDH23-related disorder. Also called: CDH23-related disorders; CDH23-related condition.
Retinal dystrophy. Also called: Inherited retinal dystrophy. Identifiers: Orphanet 71862, MedGen C0854723, MeSH D058499, MONDO:0019118, HP:0000556.
Usher syndrome type 1 (USH1). Also called: RETINITIS PIGMENTOSA AND CONGENITAL DEAFNESS. Identifiers: Orphanet 231169, Orphanet 886, MedGen C1568247, MONDO:0010168, OMIM 276900.
Usher syndrome type 1D (USH1D). Also called: USHER SYNDROME, TYPE ID. Identifiers: Orphanet 231169, Orphanet 886, MedGen C1832845, MONDO:0010984, OMIM 601067.

Allele frequency attached by ClinVar (database versions not stated): ExAC 0.00001; gnomAD 0.00006; TOPMed 0.00006; ESP Exome Variant Server 0.00008.
gnomAD v4.1: 37 of 1,613,920 alleles (0.0023%); highest among the groups gnomAD compares: African/African-American, 0.012%; no homozygotes.

Submissions (11):

PreventionGenetics, part of Exact Sciences
Classification: Uncertain significance for CDH23-related condition. Last evaluated: 2026-09-26. Review status: criteria provided, single submitter. Criteria: ACMG Guidelines, 2015. Collection method: clinical testing. Allele origin: germline.
Comment: The CDH23 c.7362G>A variant is not predicted to result in an amino acid change (p.=). This variant has been reported along with a second CDH23 variant in individuals with Usher syndrome or hearing loss (Table S3, Feenstra et al. 2022. PubMed ID: 36011334; Le Quesne Stabej et al. 2012. PubMed ID: 22135276; Table S2, Perry et al. 2022. PubMed ID: 36515421); however, only one of these individuals had a second CDH23 variant (p.Ile351*) that was clearly pathogenic (Table S3, Feenstra et al. 2022. PubMed ID: 36011334). A different nucleotide substitution impacting the same canonical donor site (c.7362+5G>A) has been reported in several individuals with Usher syndrome and was confirmed to result in an in-frame deletion of exon 52 via RT-PCR analysis (Bolz et al. 2001. PubMed ID: 11138009; von Brederlow et al. 2002. PubMed ID: 11857743; Glöckle et al. 2013. PubMed ID: 23591405); however, it is unclear whether the c.7362G>A variant would impact splicing in a similar fashion. Therefore, although we suspect that c.7362G>A may be pathogenic, the clinical significance of this variant is uncertain at this time due to the absence of conclusive functional and genetic evidence.

Natera, Inc.
Classification: Likely pathogenic for Usher syndrome type 1. Last evaluated: 2026-01-12. Review status: criteria provided, single submitter. Criteria: Natera Variant Classification Schema (03/2026). Collection method: clinical testing. Allele origin: germline.
Comment: The c.7362G>A variant in CDH23 is a synonymous variant that does not alter the encoded amino acid at position 2454 (p.T2454=). This variant is rare in the general population with a frequency below the threshold expected for the associated phenotype(s). This variant has been observed in one or more individuals affected with the associated recessive disease, as either homozygous or compound heterozygous with a second variant (PMID: 39462066, 36011334, 22135276). Computational prediction algorithms indicate this variant is likely to affect gene or protein function. Given the available evidence, this variant is classified as Likely Pathogenic.

Labcorp Genetics (formerly Invitae), Labcorp
Classification: Pathogenic. Last evaluated: 2025-10-01. Review status: criteria provided, single submitter. Criteria: Invitae Variant Classification Sherloc (09022015). Collection method: clinical testing. Allele origin: germline.
Comment: This sequence change affects codon 2454 of the CDH23 mRNA. It is a 'silent' change, meaning that it does not change the encoded amino acid sequence of the CDH23 protein. This variant also falls at the last nucleotide of exon 52, which is part of the consensus splice site for this exon. This variant is present in population databases (rs370983472, gnomAD 0.004%). This variant has been observed in individual(s) with Usher syndrome (PMID: 22135276; internal data). ClinVar contains an entry for this variant (Variation ID: 46029). Variants that disrupt the consensus splice site are a relatively common cause of aberrant splicing (PMID: 17576681, 9536098). Algorithms developed to predict the effect of sequence changes on RNA splicing suggest that this variant may disrupt the consensus splice site. For these reasons, this variant has been classified as Pathogenic.

3billion
Classification: Likely pathogenic for Usher syndrome type 1D. Last evaluated: 2024-06-28. Review status: criteria provided, single submitter. Criteria: ACMG Guidelines, 2015. Collection method: clinical testing. Allele origin: germline. Affected: yes.
Comment: The variant is observed at an extremely low frequency in the gnomAD v4.0.0 dataset (total allele frequency: 0.002%). Predicted Consequence/Location: Synonymous variant The variant has been reported to be in trans with a pathogenic variant as either compound heterozygous or homozygous in at least one similarly affected unrelated individual (PMID: 22135276). The variant has been reported at least twice as pathogenic with clinical assertions and evidence for the classification (ClinVar ID: VCV000046029). Therefore, this variant is classified as Likely pathogenic according to the recommendation of ACMG/AMP guideline.

Blueprint Genetics
Classification: Pathogenic for CDH23-related disorders. Last evaluated: 2024-04-30. Review status: criteria provided, single submitter. Criteria: ACMG Guidelines, 2015. Collection method: clinical testing. Allele origin: germline. Affected: yes. Observed: 5 variant alleles.

Baylor Genetics
Classification: Likely pathogenic for Pituitary adenoma 5, multiple types. Last evaluated: 2024-01-17. Review status: criteria provided, single submitter. Criteria: ACMG Guidelines, 2015. Collection method: clinical testing. Allele origin: unknown.

Women's Health and Genetics/Laboratory Corporation of America, LabCorp
Classification: Likely pathogenic for Usher syndrome. Last evaluated: 2023-08-28. Review status: criteria provided, single submitter. Criteria: LabCorp Variant Classification Summary - May 2015. Collection method: clinical testing. Allele origin: germline.
Comment: Variant summary: CDH23 c.7362G>A (p.Thr2454Thr) alters a conserved nucleotide located close to a canonical splice site, specifically the last nucleotide of Exon 52, and therefore could affect mRNA splicing, leading to a significantly altered protein sequence. Several computational tools predict a significant impact on normal splicing: three predict the variant weakens a 5' donor site, and one predicts the variant abolishes a 5' splicing donor site. However, these predictions have yet to be confirmed by functional studies. The variant was absent in 249280 control chromosomes (gnomAD). c.7362G>A has been reported in the literature in multiple compound heterozygous individuals affected with Usher Syndrome (e.g., Le Quesne Stabej_2012, Usami_2022, Feenstra_2022, Nizamudheen_2021 (no PMID)). These data indicate that the variant is likely to be associated with disease. To our knowledge, no experimental evidence demonstrating an impact on protein function has been reported. The following publications have been ascertained in the context of this evaluation (PMID: 36011334, 22135276, 35020051). Five submitters have reported clinical-significance assessments for this variant to ClinVar after 2014 with conflicting assessments (likely pathogenic, n = 3; pathogenic, n = 1; uncertain significance, n = 1). Based on the evidence outlined above, the variant was classified as likely pathogenic.

GeneDx
Classification: Likely pathogenic. Last evaluated: 2022-02-01. Review status: criteria provided, single submitter. Criteria: GeneDx Variant Classification Process June 2021. Collection method: clinical testing. Allele origin: germline. Affected: yes.
Comment: Not observed at a significant frequency in large population cohorts (gnomAD); In-silico analysis, which includes splice predictors and evolutionary conservation, is inconclusive as to whether the variant alters gene splicing. In the absence of RNA/functional studies, the actual effect of this sequence change is unknown; This variant is associated with the following publications: (PMID: 22135276, 34428318)

Eurofins Ntd Llc (ga)
Classification: Likely pathogenic. Last evaluated: 2018-02-08. Review status: criteria provided, single submitter. Criteria: EGL Classification Definitions 2015. Collection method: clinical testing. Allele origin: germline. Observed: 1 variant allele, 1 heterozygote.

Institute of Human Genetics, Univ. Regensburg, Univ. Regensburg
Classification: Likely pathogenic for Retinal dystrophy. Last evaluated: 2018-01-01. Review status: criteria provided, single submitter. Criteria: ACMG Guidelines, 2015. Collection method: clinical testing. Allele origin: germline. Affected: yes.

Laboratory for Molecular Medicine, Mass General Brigham Personalized Medicine
Classification: Likely pathogenic for Rare genetic deafness. Last evaluated: 2013-04-01. Review status: criteria provided, single submitter. Criteria: LMM Criteria. Collection method: clinical testing. Allele origin: germline. Inheritance: Autosomal recessive inheritance. Observed: 5 variant alleles.
Comment: proposed classification - variant undergoing re-assessment, contact laboratory

Literature cited by the submitters: PubMed 39462066 (cited by Natera, Inc.); PubMed 36011334 (cited by 3 submitters); PubMed 22135276 (cited by 6 submitters); PubMed 17576681 (cited by Labcorp Genetics (formerly Invitae), Labcorp); PubMed 9536098 (cited by Labcorp Genetics (formerly Invitae), Labcorp); PubMed 35020051 (cited by Women's Health and Genetics/Laboratory Corporation of America, LabCorp and Institute of Human Genetics, Univ. Regensburg, Univ. Regensburg).

NM_022124.6(CDH23):c.7362G>A (p.Thr2454=)

Gene: CDH23 (cadherin related 23; plus strand). Cytogenetic location: 10q22.1.
Variant type: single nucleotide variant.
Coding change: c.7362G>A on transcript NM_022124.6 (MANE Select); coding-DNA position 7362, G replaced by A.
Protein change: p.Thr2454=; no amino-acid change (threonine 2454 retained).
Molecular consequence: synonymous variant.
Genome position (GRCh38, 1-based): chr10:71,799,629, G>A. VCF-style: chr10-71799629-G-A. GRCh37 (hg19) VCF-style: chr10-73559386-G-A.
Other names: c.642G>A, p.Thr214= (NM_001171933.1, NM_001171934.1).
Identifiers: ClinVar variation 46029 (VCV000046029.28), dbSNP rs370983472, ClinGen allele CA261797.